The following is an entry in ClinVar:

ClinVar aggregate classification (germline): Pathogenic (1 of 4 stars; one submission).

Submission:

Labcorp Genetics (formerly Invitae), Labcorp
Classification: Pathogenic. Last evaluated: 2023-12-09. Review status: criteria provided, single submitter. Criteria: Invitae Variant Classification Sherloc (09022015). Collection method: clinical testing. Allele origin: germline.
Comment: This sequence change creates a premature translational stop signal (p.Gln128*) in the MCPH1 gene. It is expected to result in an absent or disrupted protein product. Loss-of-function variants in MCPH1 are known to be pathogenic (PMID: 20978018). This variant is not present in population databases (gnomAD no frequency). This variant has not been reported in the literature in individuals affected with MCPH1-related conditions. For these reasons, this variant has been classified as Pathogenic.

Literature cited by the submitters: PubMed 20978018.

NM_024596.5(MCPH1):c.382C>T (p.Gln128Ter)

Gene: MCPH1 (microcephalin 1; plus strand). Cytogenetic location: 8p23.1.
Variant type: single nucleotide variant.
Coding change: c.382C>T on transcript NM_024596.5 (MANE Select); coding-DNA position 382, C replaced by T.
Protein change: p.Gln128Ter; replaces glutamine 128 with a stop codon.
Molecular consequence: nonsense.
Genome position (GRCh38, 1-based): chr8:6,436,108, C>T. VCF-style: chr8-6436108-C-T. GRCh37 (hg19) VCF-style: chr8-6293629-C-T.
Other names: c.382C>T, p.Gln128Ter (NM_001172574.2, NM_001172575.2, NM_001322042.2 and 4 more transcripts); c.376C>T, p.Gln126Ter (NM_001322043.2); c.280C>T, p.Gln94Ter (NM_001322045.2); short protein forms Q128*, Q126*, Q94*.
Identifiers: ClinVar variation 2701607 (VCV002701607.3), dbSNP rs2486026485, ClinGen allele CA370217638.